The following is an entry in ClinVar:

NM_004329.3(BMPR1A):c.1436T>C (p.Leu479Ser)

Gene: BMPR1A (bone morphogenetic protein receptor type 1A; plus strand). Cytogenetic location: 10q23.2.
Variant type: single nucleotide variant.
Coding change: c.1436T>C on transcript NM_004329.3 (MANE Select); coding-DNA position 1436, T replaced by C.
Protein change: p.Leu479Ser; replaces leucine 479 with serine.
Molecular consequence: missense variant. On other transcripts: non-coding transcript variant (3).
Genome position (GRCh38, 1-based): chr10:86,923,469, T>C. VCF-style: chr10-86923469-T-C. GRCh37 (hg19) VCF-style: chr10-88683226-T-C.
Other names: c.1436T>C, p.Leu479Ser (NM_001406579.1, NM_001406580.1, NM_001406581.1 and 19 more transcripts); c.1430T>C, p.Leu477Ser (NM_001406583.1); c.1352T>C, p.Leu451Ser (NM_001406584.1, NM_001406585.1, NM_001406586.1 and 2 more transcripts); c.1511T>C, p.Leu504Ser (NM_001406559.1); c.1484T>C, p.Leu495Ser (NM_001406560.1); c.1094T>C, p.Leu365Ser (NM_001406589.1); short protein forms L451S, L504S, L479S, L477S, L495S, L365S.
Identifiers: ClinVar variation 4717875 (VCV004717875.1).

ClinVar aggregate classification (germline): Uncertain significance (1 of 4 stars; one submission).

Conditions:
Juvenile polyposis syndrome (JPS). Identifiers: Orphanet 2929, MedGen C0345893, MONDO:0017380, OMIM 174900.

Submission:

Labcorp Genetics (formerly Invitae), Labcorp
Classification: Uncertain significance for Juvenile polyposis syndrome. Last evaluated: 2025-02-05. Review status: criteria provided, single submitter. Criteria: Invitae Variant Classification Sherloc (09022015). Collection method: clinical testing. Allele origin: germline.
Comment: This sequence change replaces leucine, which is neutral and non-polar, with serine, which is neutral and polar, at codon 479 of the BMPR1A protein (p.Leu479Ser). This variant is not present in population databases (gnomAD no frequency). This variant has not been reported in the literature in individuals affected with BMPR1A-related conditions. Invitae Evidence Modeling of protein sequence and biophysical properties (such as structural, functional, and spatial information, amino acid conservation, physicochemical variation, residue mobility, and thermodynamic stability) has been performed for this missense variant. However, the output from this modeling did not meet the statistical confidence thresholds required to predict the impact of this variant on BMPR1A protein function. In summary, the available evidence is currently insufficient to determine the role of this variant in disease. Therefore, it has been classified as a Variant of Uncertain Significance.